The following is an entry in ClinVar:

NM_000238.4(KCNH2):c.453dup (p.Thr152fs)

Gene: KCNH2 (potassium voltage-gated channel subfamily H member 2; minus strand). Cytogenetic location: 7q36.1.
Variant type: Duplication.
Coding change: c.453dup on transcript NM_000238.4 (MANE Select); coding-DNA position 453, one base duplicated (C; older notation c.453dupC).
Protein change: p.Thr152fs; shifts the reading frame from threonine 152.
Molecular consequence: frameshift variant.
Genome position (GRCh38, 1-based): chr7:150,959,591, G duplicated on the plus strand (C on the coding strand, the reverse complement: KCNH2 is on the minus strand); the first of 7 consecutive G bases (chr7:150,959,591-150,959,597); duplicating any one gives the same sequence. VCF-style (leftmost placement, unchanged base first): chr7-150959590-T-TG. GRCh37 (hg19) VCF-style: chr7-150656678-T-TG.
Other names: c.453dup, p.Thr152fs (NM_000238.3); c.453dupC (NM_000238.3, NM_000238.2); c.453dup (NM_000238.2); c.159dup, p.Thr56Hisfs (NM_001406753.1, NM_001406756.1); c.270dup, p.Thr93Hisfs (NM_001406755.1); c.147dup, p.Thr52Hisfs (NM_001406757.1); c.447dup, p.Thr152Hisfs (NM_172056.3); short protein forms T152fs.
Identifiers: ClinVar variation 503669 (VCV000503669.20), dbSNP rs761863251, ClinGen allele CA4566439.
Genomic context (GRCh38, chr7:150,959,590, plus strand): 5'-GACCACGAACCCCTGAGCCTGCCCTAAAGCAAGTACACTTACCTGGGGCCAGCCAGCTGG[T>TG]GGGGGGGCCCCGGTGGTTGGTGTCATGAGCCGGGGACCCCACCATGTCCTTCTCCATCAC-3'

ClinVar aggregate classification (germline): Pathogenic. Review status: criteria provided, multiple submitters, no conflicts (2 of 4 stars). 7 submissions from 7 submitters: Pathogenic (6). 1 of the submissions does not count toward it. Last evaluated 2025-05-19.

Conditions:
Long QT syndrome 2 (LQT2). Identifiers: Orphanet 101016, Orphanet 768, MedGen C3150943, MONDO:0013367, OMIM 613688.
Cardiovascular phenotype. Identifiers: MedGen CN230736.
KCNH2-related disorder. Also called: KCNH2-related disorders; KCNH2-related condition.
Long QT syndrome (LQTS). Identifiers: MedGen C0023976, MeSH D008133, MONDO:0002442. Disease mechanism: loss of function. Inheritance: Various modes of inheritance.

Submissions (7):

GeneDx
Classification: Pathogenic. Last evaluated: 2025-05-19. Review status: criteria provided, single submitter. Criteria: GeneDx Variant Classification Process June 2021. Collection method: clinical testing. Allele origin: germline. Affected: yes.
Comment: Identified in multiple unrelated patients with LQTS referred for genetic testing at GeneDx and in the published literature (PMID: 10973849, 15840476, 16922724, 19716085, 28049825, 32383558); Frameshift variant predicted to result in protein truncation or nonsense mediated decay in a gene for which loss-of-function is a known mechanism of disease; Published in vitro functional studies demonstrate this variant alone failed to generate potassium current and when expressed with WT, it may enhance the WT channel function; however, it is unclear how these studies may translate to a pathogenic role in vivo (PMID: 28049825); This variant is associated with the following publications: (PMID: 19716085, 28166811, 32048431, 10973849, 15840476, 26669661, 28049825, 20851114, 32383558, 36861347, 16922724)

Dasa
Classification: Pathogenic. Last evaluated: 2025-03-05. Review status: criteria provided, single submitter. Criteria: DASA Assertion Criteria. Collection method: clinical testing. Allele origin: germline.
Comment: NM_000238.4(KCNH2):c.453dup (p.Thr152Hisfs*180) introduces a premature termination codon predicted to result in loss of normal protein function. Loss-of-function is an established mechanism of disease for this gene. Segregation evidence has been reported in affected families. This variant has been recurrently observed in individuals with related phenotype (PMID: 32383558; PMID: 26669661). The variant is present at low frequency in population datasets. Based on the available data, this variant is classified as pathogenic.

Labcorp Genetics (formerly Invitae), Labcorp
Classification: Pathogenic for Long QT syndrome. Last evaluated: 2024-04-29. Review status: criteria provided, single submitter. Criteria: Invitae Variant Classification Sherloc (09022015). Collection method: clinical testing. Allele origin: germline.
Comment: This sequence change creates a premature translational stop signal (p.Thr152Hisfs*180) in the KCNH2 gene. It is expected to result in an absent or disrupted protein product. Loss-of-function variants in KCNH2 are known to be pathogenic (PMID: 10973849, 19862833). The frequency data for this variant in the population databases is considered unreliable, as metrics indicate poor data quality at this position in the gnomAD database. This premature translational stop signal has been observed in individual(s) with long QT syndrome (PMID: 10973849, 20851114, 28049825). It has also been observed to segregate with disease in related individuals. This variant is also known as insC453–454* (P151fs/179) and c.453dup (p.Thr152fs). ClinVar contains an entry for this variant (Variation ID: 503669). For these reasons, this variant has been classified as Pathogenic.

Blueprint Genetics
Classification: Pathogenic for KCNH2-related disorders. Last evaluated: 2024-02-23. Review status: criteria provided, single submitter. Criteria: ACMG Guidelines, 2015. Collection method: clinical testing. Allele origin: germline. Affected: yes. Observed: 4 variant alleles.

Ambry Genetics
Classification: Pathogenic for Cardiovascular phenotype. Last evaluated: 2019-05-17. Review status: criteria provided, single submitter. Criteria: Ambry Variant Classification Scheme 2023. Collection method: clinical testing. Allele origin: germline.
Comment: The c.453dupC pathogenic mutation, located in coding exon 3 of the KCNH2 gene, results from a duplication of C at nucleotide position 453, causing a translational frameshift with a predicted alternate stop codon (p.T152Hfs*180). This mutation has been detected in long QT syndrome cohorts, and has been reported to segregate with disease in a family (Splawski I et al. Circulation, 2000 Sep;102:1178-85; Millat G et al. Clin. Chim. Acta, 2011 Jan;412:203-7; Kapa S et al. Circulation, 2009 Nov;120:1752-60; Itoh H et al. Eur. J. Hum. Genet., 2016 08;24:1160-6; Caballero R et al. Proc. Natl. Acad. Sci. U.S.A., 2017 01;114:E416-E425). This alteration is expected to result in loss of function by premature protein truncation or nonsense-mediated mRNA decay. As such, this alteration is interpreted as a disease-causing mutation.

Juno Genomics, Hangzhou Juno Genomics, Inc
Classification: Pathogenic for Long QT syndrome 2. Review status: criteria provided, single submitter. Criteria: ACMG Guidelines, 2015. Collection method: clinical testing. Allele origin: germline. Affected: yes.
Comment: Absent from controls (or at extremely low frequency if recessive) in Genome Aggregation Database.;Null variant in a gene where loss of function (LOF) is a known mechanism of disease.;The prevalence of the variant in affected individuals is significantly increased compared to the prevalence in controls.

Mendelics
Classification: Uncertain significance for Long QT syndrome 2. Last evaluated: 2019-05-28. Review status: flagged submission. Criteria: Mendelics Assertion Criteria 2017. Collection method: clinical testing. Allele origin: unknown. Not counted in ClinVar's aggregate classification.
ClinVar note: Reason: Outlier claim with insufficient supporting evidence

Literature cited by the submitters: PubMed 32383558 (cited by Dasa); PubMed 26669661 (cited by Dasa and Ambry Genetics); PubMed 10973849 (cited by Labcorp Genetics (formerly Invitae), Labcorp and Ambry Genetics); PubMed 19862833 (cited by Labcorp Genetics (formerly Invitae), Labcorp); PubMed 20851114 (cited by Labcorp Genetics (formerly Invitae), Labcorp and Ambry Genetics); PubMed 28049825 (cited by Labcorp Genetics (formerly Invitae), Labcorp and Ambry Genetics); PubMed 15840476 (cited by Ambry Genetics); PubMed 19841300 (cited by Ambry Genetics).